The following is an entry in ClinVar:

ClinVar aggregate classification (germline): Pathogenic (1 of 4 stars; one submission).

Submission:

GeneDx
Classification: Pathogenic. Last evaluated: 2019-06-24. Review status: criteria provided, single submitter. Criteria: GeneDx Variant Classification Process June 2021. Collection method: clinical testing. Allele origin: germline. Affected: yes.
Comment: Nonsense variant predicted to result in protein truncation or nonsense mediated decay in a gene for which loss-of-function is a known mechanism of disease; Not observed in large population cohorts (Lek et al., 2016); This variant is associated with the following publications: (PMID: 26633542)

NM_001429.4(EP300):c.3841C>T (p.Arg1281Ter)

Gene: EP300 (E1A binding protein p300; plus strand). Cytogenetic location: 22q13.2.
Variant type: single nucleotide variant.
Coding change: c.3841C>T on transcript NM_001429.4 (MANE Select); coding-DNA position 3841, C replaced by T.
Protein change: p.Arg1281Ter; replaces arginine 1281 with a stop codon.
Molecular consequence: nonsense.
Genome position (GRCh38, 1-based): chr22:41,166,633, C>T. VCF-style: chr22-41166633-C-T. GRCh37 (hg19) VCF-style: chr22-41562637-C-T.
Other names: c.3763C>T, p.Arg1255Ter (NM_001362843.2); short protein forms R1281*, R1255*.
Identifiers: ClinVar variation 523774 (VCV000523774.3), dbSNP rs1555910814, ClinGen allele CA411698651.